The following is an entry in ClinVar:

ClinVar aggregate classification (germline): Pathogenic (1 of 4 stars; one submission).

Submission:

ISCA site 17
Classification: Pathogenic. Last evaluated: 2011-08-12. Review status: criteria provided, single submitter. Criteria: Kaminsky et al. (Genet Med. 2011). Collection method: clinical testing. Allele origin: unknown. Affected: yes. Observed: 1 variant allele.
Comment: Copy number variation identified through the course of routine clinical cytogenomic testing in postnatal populations. Clinical assertions have been curated as described in Kaminsky et al. 2011.

GRCh38/hg38 10q26.13-26.3(chr10:123580320-133558988)x1

Genes: LRRC27 (leucine rich repeat containing 27; plus strand), MGMT (O-6-methylguanine-DNA methyltransferase; plus strand), MIR202 (microRNA 202; minus strand), MIR202HG (MIR202 host gene; minus strand), MIR378C (microRNA 378c; minus strand) and 319 more. Cytogenetic location: 10q26.13-26.3.
Variant type: copy number loss.
Change: copy number 1 (one copy instead of two) of chr10:123,580,320-133,558,988 (9.98 Mb, GRCh38 coordinates, 1-based), cytogenetic band 10q26.13-26.3.
Identifiers: ClinVar variation 58822 (VCV000058822.1).